The following is an entry in ClinVar:

NM_003002.4(SDHD):c.141G>A (p.Gln47=)

Gene: SDHD (succinate dehydrogenase complex subunit D; plus strand). Cytogenetic location: 11q23.1.
Variant type: single nucleotide variant.
Coding change: c.141G>A on transcript NM_003002.4 (MANE Select); coding-DNA position 141, G replaced by A.
Protein change: p.Gln47=; no amino-acid change (glutamine 47 retained).
Molecular consequence: synonymous variant. On other transcripts: non-coding transcript variant (1), intron variant (1).
Genome position (GRCh38, 1-based): chr11:112,087,945, G>A. VCF-style: chr11-112087945-G-A. GRCh37 (hg19) VCF-style: chr11-111958669-G-A.
Other names: c.141G>A, p.Gln47= (NM_001276503.2, NM_001276506.2); c.53-922G>A (NM_001276504.2).
Identifiers: ClinVar variation 533796 (VCV000533796.11), dbSNP rs1217254088, ClinGen allele CA476789570.
Genomic context (GRCh38, chr11:112,087,945, plus strand): 5'-ACCTGCTCATATCTCAGCATTTCTTCAGGACCGACCTATCCCAGAATGGTGTGGAGTGCA[G>A]CACATACACTTGTCACCGAGCCACCATTGTATGTTCTCTCCATCGCTGCTGCTTTCTGGG-3'
Protein context (NP_002993.1, residues 37-57): DRPIPEWCGV[Gln47=]HIHLSPSHHS

ClinVar aggregate classification (germline): Benign/Likely benign. Review status: criteria provided, multiple submitters, no conflicts (2 of 4 stars). 3 submissions from 3 submitters: Benign (1); Likely benign (2). Last evaluated 2025-03-17.

Conditions:
Hereditary cancer-predisposing syndrome. Also called: Neoplastic Syndromes, Hereditary; Hereditary neoplastic syndrome; Tumor predisposition; Hereditary Cancer Syndrome. Identifiers: Orphanet 140162, MedGen C0027672, MeSH D009386, MONDO:0015356.
Pheochromocytoma/paraganglioma syndrome 1. Also called: PARAGANGLIOMAS, FAMILIAL NONCHROMAFFIN, 1; PGL 1; Paragangliomas familial 1; SDHD-Related Hereditary Paraganglioma-Pheochromocytoma Syndrome; PARAGANGLIOMATA; Paragangliomas 1. Identifiers: Orphanet 29072, MedGen C3494181, MONDO:0008192, OMIM 168000.
Pheochromocytoma. Also called: MAX-Related Hereditary Paraganglioma-Pheochromocytoma Syndrome. Identifiers: Orphanet 29072, MedGen C0031511, MONDO:0008233, OMIM 171300, HP:0002666.
Carney-Stratakis syndrome. Also called: PARAGANGLIOMA AND GASTROINTESTINAL STROMAL TUMOR. Identifiers: Orphanet 97286, MedGen C1847319, MONDO:0011740, OMIM 606864.
Cowden syndrome 3 (CWS3). Identifiers: Orphanet 201, MedGen CN166604, MONDO:0014045.
Paragangliomas with sensorineural hearing loss. Identifiers: MedGen C1868633.

Allele frequency attached by ClinVar (database versions not stated): TOPMed below 0.00001; gnomAD 0.00001.

Submissions (3):

Myriad Genetics, Inc.
Classification: Benign for Pheochromocytoma/paraganglioma syndrome 1. Last evaluated: 2025-03-17. Review status: criteria provided, single submitter. Criteria: Myriad Autosomal Dominant, Autosomal Recessive and X-Linked Classification Criteria (2023). Collection method: clinical testing. Allele origin: unknown.
Comment: This variant is considered benign. This variant is a silent/synonymous amino acid change and it is not expected to impact splicing.

Labcorp Genetics (formerly Invitae), Labcorp
Classification: Likely benign for Carney-Stratakis syndrome; Paragangliomas with sensorineural hearing loss; Pheochromocytoma; Cowden syndrome 3. Last evaluated: 2025-01-14. Review status: criteria provided, single submitter. Criteria: Invitae Variant Classification Sherloc (09022015). Collection method: clinical testing. Allele origin: germline.

Ambry Genetics
Classification: Likely benign for Hereditary cancer-predisposing syndrome. Last evaluated: 2015-11-14. Review status: criteria provided, single submitter. Criteria: Ambry Variant Classification Scheme 2023. Collection method: clinical testing. Allele origin: germline.